The following is an entry in ClinVar:

ClinVar aggregate classification (germline): Uncertain significance. Review status: criteria provided, multiple submitters, no conflicts (2 of 4 stars). 3 submissions from 3 submitters: Uncertain significance (3). Last evaluated 2025-06-16.

Allele frequency attached by ClinVar (database versions not stated): gnomAD 0.00001; TOPMed 0.00001; ExAC 0.00002; gnomAD exomes 0.00002 and 0.00003.
gnomAD v4.1: 46 of 1,613,402 alleles (0.0029%); highest among the groups gnomAD compares: South Asian, 0.0044%; no homozygotes.

Submissions (3):

Labcorp Genetics (formerly Invitae), Labcorp
Classification: Uncertain significance. Last evaluated: 2025-06-16. Review status: criteria provided, single submitter. Criteria: Invitae Variant Classification Sherloc (09022015). Collection method: clinical testing. Allele origin: germline.
Comment: This sequence change replaces tryptophan, which is neutral and slightly polar, with glycine, which is neutral and non-polar, at codon 22 of the ROM1 protein (p.Trp22Gly). This variant is present in population databases (rs750676165, gnomAD 0.01%). This missense change has been observed in individual(s) with retinitis pigmentosa (PMID: 37734845). ClinVar contains an entry for this variant (Variation ID: 193087). Invitae Evidence Modeling of protein sequence and biophysical properties (such as structural, functional, and spatial information, amino acid conservation, physicochemical variation, residue mobility, and thermodynamic stability) indicates that this missense variant is not expected to disrupt ROM1 protein function with a negative predictive value of 80%. In summary, the available evidence is currently insufficient to determine the role of this variant in disease. Therefore, it has been classified as a Variant of Uncertain Significance.

Blueprint Genetics
Classification: Uncertain significance. Last evaluated: 2022-11-14. Review status: criteria provided, single submitter. Criteria: ACMG Guidelines, 2015. Collection method: clinical testing. Allele origin: germline.

Eurofins Ntd Llc (ga)
Classification: Uncertain significance. Last evaluated: 2014-11-06. Review status: criteria provided, single submitter. Criteria: EGL Classification Definitions 2015. Collection method: clinical testing. Allele origin: germline. Observed: 1 variant allele, 1 heterozygote.

Literature cited by the submitters: PubMed 37734845 (cited by Labcorp Genetics (formerly Invitae), Labcorp).

NM_000327.4(ROM1):c.64T>G (p.Trp22Gly)

Gene: ROM1 (retinal outer segment membrane protein 1; plus strand). Cytogenetic location: 11q12.3.
Variant type: single nucleotide variant.
Coding change: c.64T>G on transcript NM_000327.4 (MANE Select); coding-DNA position 64, T replaced by G.
Protein change: p.Trp22Gly; replaces tryptophan 22 with glycine.
Molecular consequence: missense variant.
Genome position (GRCh38, 1-based): chr11:62,613,345, T>G. VCF-style: chr11-62613345-T-G. GRCh37 (hg19) VCF-style: chr11-62380817-T-G.
Other names: short protein forms W22G.
Identifiers: ClinVar variation 193087 (VCV000193087.13), dbSNP rs750676165, ClinGen allele CA238595.